The following is an entry in ClinVar:

ClinVar aggregate classification (germline): Uncertain significance. Review status: criteria provided, multiple submitters, no conflicts (2 of 4 stars). 4 submissions from 4 submitters: Uncertain significance (4). Last evaluated 2025-11-17.

Conditions:
Ehlers-Danlos syndrome, type 4 (EDSVASC). Also called: Ehlers-Danlos Syndrome Type IV; Ehlers-Danlos syndrome vascular type; Ehlers Danlos syndrome, ecchymotic type; Ehlers Danlos syndrome, arterial type; Ehlers Danlos syndrome, Sack-Barabas type. Identifiers: Orphanet 286, MedGen C0268338, MONDO:0017314, OMIM 130050.
Polymicrogyria with or without vascular-type Ehlers-Danlos syndrome. Identifiers: Orphanet 636941, MedGen C5193040, MONDO:0032688, OMIM 618343.
Familial thoracic aortic aneurysm and aortic dissection (TAAD). Also called: Thoracic aortic aneurysms and dissections. Identifiers: Orphanet 91387, MedGen C4707243, MONDO:0019625.

Allele frequency attached by ClinVar (database versions not stated): TOPMed 0.00002; ESP Exome Variant Server 0.00008.
gnomAD v4.1: 4 of 1,614,040 alleles (0.00025%); highest among the groups gnomAD compares: Non-Finnish European, 0.00025%; no homozygotes.

Submissions (4):

Color Diagnostics, LLC DBA Color Health
Classification: Uncertain significance for Familial thoracic aortic aneurysm and aortic dissection. Last evaluated: 2025-11-17. Review status: criteria provided, single submitter. Criteria: ACMG Guidelines, 2015. Collection method: clinical testing. Allele origin: germline.
Comment: This missense variant replaces arginine with leucine at codon 1255 of the COL3A1 protein. Computational prediction is inconclusive regarding the impact of this variant on protein structure and function. To our knowledge, functional studies have not been reported for this variant. This variant has not been reported in individuals affected with cardiovascular disorders in the literature. This variant has been identified in 1/245870 chromosomes in the general population by the Genome Aggregation Database (gnomAD). The available evidence is insufficient to determine the role of this variant in disease conclusively. Therefore, this variant is classified as a Variant of Uncertain Significance.

Ambry Genetics
Classification: Uncertain significance for Familial thoracic aortic aneurysm and aortic dissection. Last evaluated: 2025-09-23. Review status: criteria provided, single submitter. Criteria: Ambry Variant Classification Scheme 2023. Collection method: clinical testing. Allele origin: germline.
Comment: The p.R1255L variant (also known as c.3764G>T), located in coding exon 48 of the COL3A1 gene, results from a G to T substitution at nucleotide position 3764. The arginine at codon 1255 is replaced by leucine, an amino acid with dissimilar properties. This variant was reported in individual(s) with some features consistent with COL3A1-related Ehlers-Danlos syndrome (Ambry internal data). This amino acid position is well conserved in available vertebrate species. In addition, the in silico prediction for this alteration is inconclusive. Based on the available evidence, the clinical significance of this variant remains unclear.

Labcorp Genetics (formerly Invitae), Labcorp
Classification: Uncertain significance for Ehlers-Danlos syndrome, type 4. Last evaluated: 2025-09-02. Review status: criteria provided, single submitter. Criteria: Invitae Variant Classification Sherloc (09022015). Collection method: clinical testing. Allele origin: germline.
Comment: This sequence change replaces arginine, which is basic and polar, with leucine, which is neutral and non-polar, at codon 1255 of the COL3A1 protein (p.Arg1255Leu). This variant is present in population databases (rs368119434, gnomAD 0.0009%). This variant has not been reported in the literature in individuals affected with COL3A1-related conditions. ClinVar contains an entry for this variant (Variation ID: 918217). Invitae Evidence Modeling of protein sequence and biophysical properties (such as structural, functional, and spatial information, amino acid conservation, physicochemical variation, residue mobility, and thermodynamic stability) indicates that this missense variant is not expected to disrupt COL3A1 protein function with a negative predictive value of 95%. In summary, the available evidence is currently insufficient to determine the role of this variant in disease. Therefore, it has been classified as a Variant of Uncertain Significance.

Fulgent Genetics
Classification: Uncertain significance for Ehlers-Danlos syndrome, type 4; Polymicrogyria with or without vascular-type Ehlers-Danlos syndrome. Last evaluated: 2021-08-08. Review status: criteria provided, single submitter. Criteria: ACMG Guidelines, 2015. Collection method: clinical testing. Allele origin: unknown.

NM_000090.4(COL3A1):c.3764G>T (p.Arg1255Leu)

Gene: COL3A1 (collagen type III alpha 1 chain; plus strand). Cytogenetic location: 2q32.2.
Variant type: single nucleotide variant.
Coding change: c.3764G>T on transcript NM_000090.4 (MANE Select); coding-DNA position 3764, G replaced by T.
Protein change: p.Arg1255Leu; replaces arginine 1255 with leucine.
Molecular consequence: missense variant.
Genome position (GRCh38, 1-based): chr2:189,009,162, G>T. VCF-style: chr2-189009162-G-T. GRCh37 (hg19) VCF-style: chr2-189873888-G-T.
Other names: short protein forms R1255L.
Identifiers: ClinVar variation 918217 (VCV000918217.11), dbSNP rs368119434, ClinGen allele CA076267.